The following is an entry in ClinVar:

NM_000097.7(CPOX):c.*162A>C

Gene: CPOX (coproporphyrinogen oxidase; minus strand). Cytogenetic location: 3q11.2.
Variant type: single nucleotide variant.
Coding change: c.*162A>C on transcript NM_000097.7 (MANE Select); 162 bases downstream of the stop codon, A replaced by C.
Molecular consequence: 3 prime UTR variant.
Genome position (GRCh38, 1-based): chr3:98,580,521, T>G on the plus strand (A>C on the coding strand, the complement: CPOX is on the minus strand). VCF-style: chr3-98580521-T-G. GRCh37 (hg19) VCF-style: chr3-98299365-T-G.
Other names: c.*162A>C (LRG_1077t1).
Identifiers: ClinVar variation 346967 (VCV000346967.8), dbSNP rs1051712, ClinGen allele CA10619770.

ClinVar aggregate classification (germline): Benign. Review status: criteria provided, multiple submitters, no conflicts (2 of 4 stars). 3 submissions from 3 submitters: Benign (3). Last evaluated 2018-11-12.

Conditions:
Hereditary coproporphyria (HCP). Also called: Hereditary coproporphyria porphyria; Porphyria hepatica coproporphyria; Porphyria hepatica II; CPRO deficiency; COPROPORPHYRINOGEN OXIDASE DEFICIENCY; CPO DEFICIENCY. Identifiers: Orphanet 79273, MedGen C0162531, MONDO:0007369, OMIM 121300.

Allele frequency attached by ClinVar (database versions not stated): 1000 Genomes Project 30x 0.32480; gnomAD 0.32562; TOPMed 0.32708; 1000 Genomes Project 0.32987.
gnomAD v4.1: 539,203 of 1,476,002 alleles (37%); highest among the groups gnomAD compares: Middle Eastern, 44%; 99,804 homozygotes.

Submissions (3):

GeneDx
Classification: Benign. Last evaluated: 2018-11-12. Review status: criteria provided, single submitter. Criteria: GeneDx Variant Classification Process June 2021. Collection method: clinical testing. Allele origin: germline. Affected: yes.

Illumina Laboratory Services, Illumina
Classification: Benign for Hereditary coproporphyria. Last evaluated: 2018-01-12. Review status: criteria provided, single submitter. Criteria: ICSL Variant Classification Criteria 13 December 2019. Collection method: clinical testing. Allele origin: germline.
Comment: This variant was observed in the ICSL laboratory as part of a predisposition screen in an ostensibly healthy population. It had not been previously curated by ICSL or reported in the Human Gene Mutation Database (HGMD: prior to June 1st, 2018), and was therefore a candidate for classification through an automated scoring system. Utilizing variant allele frequency, disease prevalence and penetrance estimates, and inheritance mode, an automated score was calculated to assess if this variant is too frequent to cause the disease. Based on the score and internal cut-off values, a variant classified as benign is not then subjected to further curation. The score for this variant resulted in a classification of benign for this disease.

Breakthrough Genomics
Classification: Benign. Review status: criteria provided, single submitter. Criteria: ACMG Guidelines, 2015. Collection method: not provided. Allele origin: germline. Inheritance: Autosomal recessive inheritance. Affected: yes.